The following is an entry in ClinVar:

ClinVar aggregate classification (germline): Pathogenic. Review status: criteria provided, multiple submitters, no conflicts (2 of 4 stars). 2 submissions from 2 submitters: Pathogenic (2). Last evaluated 2024-08-20.

Conditions:
Familial adenomatous polyposis 1 (FAP1). Also called: FAMILIAL ADENOMATOUS POLYPOSIS 1, ATTENUATED; POLYPOSIS, ADENOMATOUS INTESTINAL. Identifiers: MedGen C2713442, MONDO:0021056, OMIM 175100. Disease mechanism: loss of function.
Hereditary cancer-predisposing syndrome. Also called: Hereditary neoplastic syndrome; Tumor predisposition; Hereditary Cancer Syndrome; Neoplastic Syndromes, Hereditary. Identifiers: Orphanet 140162, MedGen C0027672, MeSH D009386, MONDO:0015356.

Submissions (2):

Ambry Genetics
Classification: Pathogenic for Hereditary cancer-predisposing syndrome. Last evaluated: 2024-08-20. Review status: criteria provided, single submitter. Criteria: Ambry Variant Classification Scheme 2023. Collection method: clinical testing. Allele origin: germline.
Comment: The c.1355_1356insAT pathogenic mutation, located in coding exon 10 of the APC gene, results from an insertion of two nucleotides at position 1355, causing a translational frameshift with a predicted alternate stop codon (p.L453Ffs*2). This alteration is expected to result in loss of function by premature protein truncation or nonsense-mediated mRNA decay. As such, this alteration is interpreted as a disease-causing mutation.

Myriad Genetics, Inc.
Classification: Pathogenic for Familial adenomatous polyposis 1. Last evaluated: 2023-05-01. Review status: criteria provided, single submitter. Criteria: Myriad Autosomal Dominant, Autosomal Recessive and X-Linked Classification Criteria (2023). Collection method: clinical testing. Allele origin: unknown.
Comment: This variant is considered pathogenic. This variant creates a frameshift predicted to result in premature protein truncation.

NM_000038.6(APC):c.1355_1356insAT (p.Leu453fs)

Gene: APC (APC regulator of Wnt signaling pathway; plus strand). Cytogenetic location: 5q22.2.
Variant type: Insertion.
Coding change: c.1355_1356insAT on transcript NM_000038.6 (MANE Select); coding-DNA positions 1355 to 1356, AT inserted.
Protein change: p.Leu453fs; shifts the reading frame from leucine 453.
Molecular consequence: frameshift variant. On other transcripts: non-coding transcript variant (2).
Genome position: GRCh38 VCF-style: chr5-112821937-G-GTA. GRCh37 (hg19) VCF-style: chr5-112157634-G-GTA.
Other names: c.1355_1356insAT, p.Leu453fs (NM_001127510.3, NM_001354895.2, NM_001354896.2 and 4 more transcripts); c.1301_1302insAT, p.Leu435fs (NM_001127511.3); c.1385_1386insAT, p.Leu463fs (NM_001354897.2, NM_001407446.1); c.1280_1281insAT, p.Leu428fs (NM_001354898.2, NM_001407451.1); c.1271_1272insAT, p.Leu425fs (NM_001354899.2, NM_001407452.1); c.1178_1179insAT, p.Leu394fs (NM_001354900.2, NM_001354901.2, NM_001407453.1); c.1082_1083insAT, p.Leu362fs (NM_001354902.2); c.1052_1053insAT, p.Leu352fs (NM_001354903.2, NM_001407454.1, NM_001407455.1 and 5 more transcripts); and 6 more; short protein forms L170fs, L293fs, L324fs, L327fs, L352fs, L362fs, L394fs, L425fs.
Identifiers: ClinVar variation 2584088 (VCV002584088.2), dbSNP rs2533108830, ClinGen allele CA2582341303.
Genomic context (GRCh38, chr5:112,821,937, plus strand): 5'-TGTTGATTTTATTTTTCAGTGCCAGCTCCTGTTGAACATCAGATCTGTCCTGCTGTGTGT[G>GTA]TTCTAATGAAACTTTCATTTGATGAAGAGCATAGACATGCAATGAATGAACTAGGTAAGA-3'